The following is an entry in ClinVar:

ClinVar aggregate classification (germline): Likely pathogenic (1 of 4 stars; one submission).

Conditions:
Developmental and epileptic encephalopathy. Identifiers: MedGen C5779964, MONDO:0100620.

Submission:

Labcorp Genetics (formerly Invitae), Labcorp
Classification: Likely pathogenic for Early-infantile DEE. Last evaluated: 2021-10-21. Review status: criteria provided, single submitter. Criteria: Invitae Variant Classification Sherloc (09022015). Collection method: clinical testing. Allele origin: germline.
Comment: This sequence change replaces glutamic acid with valine at codon 2113 of the SPTAN1 protein (p.Glu2113Val). The glutamic acid residue is highly conserved and there is a moderate physicochemical difference between glutamic acid and valine. This variant is not present in population databases (ExAC no frequency). This missense change has been observed in individual(s) with clinical features of developmental and epileptic encephalopathy (Invitae). In at least one individual the variant was observed to be de novo. Algorithms developed to predict the effect of missense changes on protein structure and function (SIFT, PolyPhen-2, Align-GVGD) all suggest that this variant is likely to be disruptive. In summary, the currently available evidence indicates that the variant is pathogenic, but additional data are needed to prove that conclusively. Therefore, this variant has been classified as Likely Pathogenic.

NM_001130438.3(SPTAN1):c.6338A>T (p.Glu2113Val)

Gene: SPTAN1 (spectrin alpha, non-erythrocytic 1; plus strand). Cytogenetic location: 9q34.11.
Variant type: single nucleotide variant.
Coding change: c.6338A>T on transcript NM_001130438.3 (MANE Select); coding-DNA position 6338, A replaced by T.
Protein change: p.Glu2113Val; replaces glutamic acid 2113 with valine.
Molecular consequence: missense variant.
Genome position (GRCh38, 1-based): chr9:128,626,449, A>T. VCF-style: chr9-128626449-A-T. GRCh37 (hg19) VCF-style: chr9-131388728-A-T.
Other names: c.6263A>T, p.Glu2088Val (NM_001195532.2); c.6338A>T, p.Glu2113Val (NM_001363759.2, NM_001375310.1, NM_001375311.2 and 1 more transcripts); c.6278A>T, p.Glu2093Val (NM_001363765.2, NM_001375314.2); c.6374A>T, p.Glu2125Val (NM_001375312.2, NM_001375318.1); c.6323A>T, p.Glu2108Val (NM_003127.4); short protein forms E2093V, E2113V, E2088V, E2108V, E2125V.
Identifiers: ClinVar variation 1486757 (VCV001486757.2), dbSNP rs2131965427, ClinGen allele CA375088347.